The following is an entry in ClinVar:

ClinVar aggregate classification (germline): Conflicting classifications of pathogenicity. Review status: criteria provided, conflicting classifications (1 of 4 stars). 4 submissions from 4 submitters: Uncertain significance (3); Likely benign (1). Last evaluated 2024-04-15.

Conditions:
Hereditary cancer-predisposing syndrome. Also called: Neoplastic Syndromes, Hereditary; Tumor predisposition; Hereditary neoplastic syndrome; Hereditary Cancer Syndrome. Identifiers: Orphanet 140162, MedGen C0027672, MeSH D009386, MONDO:0015356.
Familial adenomatous polyposis 1 (FAP1). Also called: POLYPOSIS, ADENOMATOUS INTESTINAL; FAMILIAL ADENOMATOUS POLYPOSIS 1, ATTENUATED. Identifiers: MedGen C2713442, MONDO:0021056, OMIM 175100. Disease mechanism: loss of function.

Allele frequency attached by ClinVar (database versions not stated): gnomAD exomes below 0.00001 and 0.00001; ExAC 0.00001.
gnomAD v4.1: 2 of 1,613,194 alleles (0.00012%); highest among the groups gnomAD compares: Admixed American, 0.0033%; no homozygotes.

Submissions (4):

Labcorp Genetics (formerly Invitae), Labcorp
Classification: Uncertain significance for Familial adenomatous polyposis 1. Last evaluated: 2024-04-15. Review status: criteria provided, single submitter. Criteria: Invitae Variant Classification Sherloc (09022015). Collection method: clinical testing. Allele origin: germline.
Comment: This sequence change replaces lysine, which is basic and polar, with arginine, which is basic and polar, at codon 1791 of the APC protein (p.Lys1791Arg). This variant is present in population databases (rs775740112, gnomAD 0.006%). This variant has not been reported in the literature in individuals affected with APC-related conditions. ClinVar contains an entry for this variant (Variation ID: 825682). Advanced modeling of protein sequence and biophysical properties (such as structural, functional, and spatial information, amino acid conservation, physicochemical variation, residue mobility, and thermodynamic stability) performed at Invitae indicates that this missense variant is not expected to disrupt APC protein function with a negative predictive value of 95%. In summary, the available evidence is currently insufficient to determine the role of this variant in disease. Therefore, it has been classified as a Variant of Uncertain Significance.

Color Diagnostics, LLC DBA Color Health
Classification: Uncertain significance for Hereditary cancer-predisposing syndrome. Last evaluated: 2023-12-05. Review status: criteria provided, single submitter. Criteria: ACMG Guidelines, 2015. Collection method: clinical testing. Allele origin: germline.
Comment: This missense variant replaces lysine with arginine at codon 1791 of the APC protein. Computational prediction suggests that this variant may not impact protein structure and function (internally defined REVEL score threshold <= 0.5, PMID: 27666373). To our knowledge, functional studies have not been reported for this variant. This variant has not been reported in individuals affected with APC-related disorders in the literature. This variant has been identified in 2/250134 chromosomes in the general population by the Genome Aggregation Database (gnomAD). The available evidence is insufficient to determine the role of this variant in disease conclusively. Therefore, this variant is classified as a Variant of Uncertain Significance.

Baylor Genetics
Classification: Uncertain significance for Familial adenomatous polyposis 1. Last evaluated: 2023-10-19. Review status: criteria provided, single submitter. Criteria: ACMG Guidelines, 2015. Collection method: clinical testing. Allele origin: unknown.

Ambry Genetics
Classification: Likely benign for Hereditary cancer-predisposing syndrome. Last evaluated: 2018-09-29. Review status: criteria provided, single submitter. Criteria: Ambry Variant Classification Scheme 2023. Collection method: clinical testing. Allele origin: germline.

NM_000038.6(APC):c.5372A>G (p.Lys1791Arg)

Gene: APC (APC regulator of Wnt signaling pathway; plus strand). Cytogenetic location: 5q22.2.
Variant type: single nucleotide variant.
Coding change: c.5372A>G on transcript NM_000038.6 (MANE Select); coding-DNA position 5372, A replaced by G.
Protein change: p.Lys1791Arg; replaces lysine 1791 with arginine.
Molecular consequence: missense variant.
Genome position (GRCh38, 1-based): chr5:112,840,966, A>G. VCF-style: chr5-112840966-A-G. GRCh37 (hg19) VCF-style: chr5-112176663-A-G.
Other names: c.5372A>G, p.Lys1791Arg (NM_001127510.3, NM_001354895.2); c.5318A>G, p.Lys1773Arg (NM_001127511.3); c.5426A>G, p.Lys1809Arg (NM_001354896.2); c.5402A>G, p.Lys1801Arg (NM_001354897.2); c.5297A>G, p.Lys1766Arg (NM_001354898.2); c.5288A>G, p.Lys1763Arg (NM_001354899.2); c.5249A>G, p.Lys1750Arg (NM_001354900.2); c.5195A>G, p.Lys1732Arg (NM_001354901.2); and 5 more; short protein forms K1750R, K1690R, K1700R, K1763R, K1773R, K1809R, K1508R, K1631R.
Identifiers: ClinVar variation 825682 (VCV000825682.20), dbSNP rs775740112, ClinGen allele CA041698.